The following is an entry in ClinVar:

ClinVar aggregate classification (germline): Uncertain significance (1 of 4 stars; one submission).

Conditions:
Hereditary cancer-predisposing syndrome. Also called: Neoplastic Syndromes, Hereditary; Tumor predisposition; Hereditary neoplastic syndrome; Hereditary Cancer Syndrome. Identifiers: Orphanet 140162, MedGen C0027672, MeSH D009386, MONDO:0015356.

Submission:

Ambry Genetics
Classification: Uncertain significance for Hereditary cancer-predisposing syndrome. Last evaluated: 2018-02-27. Review status: criteria provided, single submitter. Criteria: Ambry Variant Classification Scheme 2023. Collection method: clinical testing. Allele origin: germline.
Comment: The p.N2622T variant (also known as c.7865A>C), located in coding exon 16 of the BRCA2 gene, results from an A to C substitution at nucleotide position 7865. The asparagine at codon 2622 is replaced by threonine, an amino acid with similar properties. This amino acid position is highly conserved in available vertebrate species. In addition, this alteration is predicted to be deleterious by in silico analysis. Since supporting evidence is limited at this time, the clinical significance of this alteration remains unclear.

NM_000059.4(BRCA2):c.7865A>C (p.Asn2622Thr)

Gene: BRCA2 (BRCA2 DNA repair associated; plus strand). Cytogenetic location: 13q13.1.
Variant type: single nucleotide variant.
Coding change: c.7865A>C on transcript NM_000059.4 (MANE Select); coding-DNA position 7865, A replaced by C.
Protein change: p.Asn2622Thr; replaces asparagine 2622 with threonine.
Molecular consequence: missense variant.
Genome position (GRCh38, 1-based): chr13:32,362,582, A>C. VCF-style: chr13-32362582-A-C. GRCh37 (hg19) VCF-style: chr13-32936719-A-C.
Other names: short protein forms N2622T.
Identifiers: ClinVar variation 827295 (VCV000827295.4), dbSNP rs142899125, ClinGen allele CA387747079.